The following is an entry in ClinVar:

ClinVar aggregate classification (germline): Uncertain significance (1 of 4 stars; one submission).

Submission:

Labcorp Genetics (formerly Invitae), Labcorp
Classification: Uncertain significance. Last evaluated: 2022-09-27. Review status: criteria provided, single submitter. Criteria: Invitae Variant Classification Sherloc (09022015). Collection method: clinical testing. Allele origin: germline.
Comment: In summary, the available evidence is currently insufficient to determine the role of this variant in disease. Therefore, it has been classified as a Variant of Uncertain Significance. This sequence change replaces valine, which is neutral and non-polar, with isoleucine, which is neutral and non-polar, at codon 585 of the TELO2 protein (p.Val585Ile). This variant is not present in population databases (gnomAD no frequency). This variant has not been reported in the literature in individuals affected with TELO2-related conditions. Advanced modeling of protein sequence and biophysical properties (such as structural, functional, and spatial information, amino acid conservation, physicochemical variation, residue mobility, and thermodynamic stability) performed at Invitae indicates that this missense variant is not expected to disrupt TELO2 protein function.

NM_016111.4(TELO2):c.1753G>A (p.Val585Ile)

Gene: TELO2 (telomere maintenance 2; plus strand). Cytogenetic location: 16p13.3.
Variant type: single nucleotide variant.
Coding change: c.1753G>A on transcript NM_016111.4 (MANE Select); coding-DNA position 1753, G replaced by A.
Protein change: p.Val585Ile; replaces valine 585 with isoleucine.
Molecular consequence: missense variant.
Genome position (GRCh38, 1-based): chr16:1,502,744, G>A. VCF-style: chr16-1502744-G-A. GRCh37 (hg19) VCF-style: chr16-1552745-G-A.
Other names: c.1753G>A, p.Val585Ile (NM_001351846.2); short protein forms V585I.
Identifiers: ClinVar variation 1960696 (VCV001960696.5), dbSNP rs2505967162, ClinGen allele CA394216030.